The following is an entry in ClinVar:

ClinVar aggregate classification (germline): Pathogenic (1 of 4 stars; one submission).

Conditions:
Neurodevelopmental disorder with coarse facies and mild distal skeletal abnormalities. Also called: STOLERMAN NEURODEVELOPMENTAL SYNDROME. Identifiers: MedGen C5193134, MONDO:0032790, OMIM 618505.

Submission:

Greenwood Genetic Center Diagnostic Laboratories, Greenwood Genetic Center
Classification: Pathogenic for Neurodevelopmental disorder with coarse facies and mild distal skeletal abnormalities. Last evaluated: 2022-07-13. Review status: criteria provided, single submitter. Criteria: ACMG Guidelines, 2015. Collection method: clinical testing. Allele origin: germline. Affected: yes.
Comment: PVS1, PS2, PM2

NM_001348716.2(KDM6B):c.1072del (p.Ser358fs)

Gene: KDM6B (lysine demethylase 6B; plus strand). Cytogenetic location: 17p13.1.
Variant type: Deletion.
Coding change: c.1072del on transcript NM_001348716.2 (MANE Select); coding-DNA position 1072, one base deleted (A; older notation c.1072delA).
Protein change: p.Ser358fs; shifts the reading frame from serine 358.
Molecular consequence: frameshift variant.
Genome position (GRCh38, 1-based): chr17:7,847,267, A deleted; the last of 2 consecutive A bases (chr17:7,847,266-7,847,267); deleting either gives the same sequence. VCF-style (leftmost placement, unchanged base first): chr17-7847265-GA-G. GRCh37 (hg19) VCF-style: chr17-7750583-GA-G.
Other names: c.1072del, p.Ser358fs (NM_001080424.2); short protein forms S358fs.
Identifiers: ClinVar variation 1710419 (VCV001710419.3), dbSNP rs2544523614, ClinGen allele CA2580094840.